The following is an entry in ClinVar:

NM_004415.4(DSP):c.778-11C>A

Gene: DSP (desmoplakin; plus strand). Cytogenetic location: 6p24.3.
Variant type: single nucleotide variant.
Coding change: c.778-11C>A on transcript NM_004415.4 (MANE Select); 11 bases into the intron before coding-DNA position 778, C replaced by A.
Molecular consequence: intron variant.
Genome position (GRCh38, 1-based): chr6:7,565,348, C>A. VCF-style: chr6-7565348-C-A. GRCh37 (hg19) VCF-style: chr6-7565581-C-A.
Other names: c.778-11C>A (NM_001319034.2, NM_001008844.3).
Identifiers: ClinVar variation 1904344 (VCV001904344.5), dbSNP rs766022259, ClinGen allele CA050801.

ClinVar aggregate classification (germline): Uncertain significance (1 of 4 stars; one submission).

Conditions:
Arrhythmogenic cardiomyopathy with wooly hair and keratoderma. Also called: Dilated cardiomyopathy with woolly hair and keratoderma; Arrhythmogenic cardiomyopathy with woolly hair and keratoderma; Carvajal syndrome; PALMOPLANTAR KERATODERMA WITH LEFT VENTRICULAR CARDIOMYOPATHY AND WOOLLY HAIR. Identifiers: Orphanet 65282, MedGen C1854063, MONDO:0011581, OMIM 605676.
Arrhythmogenic right ventricular dysplasia 8 (ARVD8). Also called: Arrhythmogenic Right Ventricular Dysplasia/Cardiomyopathy 8; ARRHYTHMOGENIC RIGHT VENTRICULAR DYSPLASIA, FAMILIAL, 8; ARRHYTHMOGENIC RIGHT VENTRICULAR CARDIOMYOPATHY 8. Identifiers: MedGen C1843896, MONDO:0011831, OMIM 607450.

Allele frequency attached by ClinVar (database versions not stated): ExAC 0.00001; TOPMed 0.00001.
gnomAD v4.1: 1 of 1,613,860 alleles (0.000062%); highest among the groups gnomAD compares: Non-Finnish European, 0.000085%; no homozygotes.

Submission:

Labcorp Genetics (formerly Invitae), Labcorp
Classification: Uncertain significance for Arrhythmogenic cardiomyopathy with wooly hair and keratoderma; Arrhythmogenic right ventricular dysplasia 8. Last evaluated: 2025-01-29. Review status: criteria provided, single submitter. Criteria: Invitae Variant Classification Sherloc (09022015). Collection method: clinical testing. Allele origin: germline.
Comment: This sequence change falls in intron 6 of the DSP gene. It does not directly change the encoded amino acid sequence of the DSP protein. This variant is present in population databases (rs766022259, gnomAD 0.0009%). This variant has not been reported in the literature in individuals affected with DSP-related conditions. ClinVar contains an entry for this variant (Variation ID: 1904344). Algorithms developed to predict the effect of sequence changes on RNA splicing suggest that this variant may create or strengthen a splice site. In summary, the available evidence is currently insufficient to determine the role of this variant in disease. Therefore, it has been classified as a Variant of Uncertain Significance.